The following is an entry in ClinVar:

NM_001267550.2(TTN):c.32554+1G>T

Gene: TTN (titin; minus strand). Cytogenetic location: 2q31.2.
Variant type: single nucleotide variant.
Coding change: c.32554+1G>T on transcript NM_001267550.2 (MANE Select); the canonical splice donor site of the intron after coding-DNA position 32554, G replaced by T.
Molecular consequence: splice donor variant. On other transcripts: intron variant (3).
Genome position (GRCh38, 1-based): chr2:178,684,905, C>A on the plus strand (G>T on the coding strand, the complement: TTN is on the minus strand). VCF-style: chr2-178684905-C-A. GRCh37 (hg19) VCF-style: chr2-179549632-C-A.
Other names: c.13283-42588G>T (NM_003319.4); c.13859-42588G>T (NM_133437.4); c.13658-42588G>T (NM_133432.3); c.28822+1G>T (NM_133378.4); c.31603+1G>T (NM_001256850.1).
Identifiers: ClinVar variation 658232 (VCV000658232.13), dbSNP rs376018437, ClinGen allele CA60985314.
Genomic context (GRCh38, chr2:178,684,905, plus strand): 5'-GAATGTATCAATTTAAGATTAAAAAAAGACAGTCTTGAGAATAAAATAAAATCCAATATA[C>A]CTTTAGGTGGGGGCACCTTTTCCTTTTTAGGAACTGGAGCAGGAACTTTCTTTTCTGGCA-3'

ClinVar aggregate classification (germline): Likely pathogenic. Review status: criteria provided, single submitter (1 of 4 stars). 3 submissions from 3 submitters: Likely pathogenic (1). 2 of the submissions do not count toward it. Last evaluated 2026-01-09.

Conditions:
Dilated cardiomyopathy 1G (CMD1G). Identifiers: Orphanet 154, MedGen C1858763, MONDO:0011400, OMIM 604145.
Autosomal recessive limb-girdle muscular dystrophy type 2J (LGMDR10). Also called: Limb-girdle muscular dystrophy, type 2J; MUSCULAR DYSTROPHY, LIMB-GIRDLE, AUTOSOMAL RECESSIVE 10. Identifiers: Orphanet 140922, MedGen C1837342, MONDO:0012127, OMIM 608807.

Allele frequency attached by ClinVar (database versions not stated): gnomAD below 0.00001 and 0.00001; gnomAD exomes below 0.00001.
gnomAD v4.1: 6 of 1,602,780 alleles (0.00037%); highest among the groups gnomAD compares: South Asian, 0.0011%; no homozygotes.

Submissions (3):

Labcorp Genetics (formerly Invitae), Labcorp
Classification: Likely pathogenic for Dilated cardiomyopathy 1G; Autosomal recessive limb-girdle muscular dystrophy type 2J. Last evaluated: 2026-01-09. Review status: criteria provided, single submitter. Criteria: Invitae Variant Classification Sherloc (09022015). Collection method: clinical testing. Allele origin: germline.
Comment: This sequence change affects a donor splice site in intron 130 of the TTN gene. It is expected to disrupt RNA splicing and likely results in a truncated or disrupted TTN protein. The frequency data for this variant in the population databases is considered unreliable, as metrics indicate poor data quality at this position in the gnomAD database. This variant has not been reported in the literature in individuals affected with TTN-related conditions. ClinVar contains an entry for this variant (Variation ID: 658232). Algorithms developed to predict the effect of sequence changes on RNA splicing suggest that this variant may disrupt the consensus splice site. This variant is located in the I band of TTN (PMID: 25589632). Truncating variants in this region have been reported in individuals affected with autosomal recessive centronuclear myopathy (PMID: 23975875, internal data). Truncating variants in this region have also been identified in individuals affected with autosomal dominant dilated cardiomyopathy and/or cardio-related conditions (PMID: 27869827, 32964742, internal data). In summary, the currently available evidence indicates that the variant is pathogenic, but additional data are needed to prove that conclusively. Therefore, this variant has been classified as Likely Pathogenic.

Clinical Genetics DNA and cytogenetics Diagnostics Lab, Erasmus MC, Erasmus Medical Center
Classification: Uncertain significance. Review status: no assertion criteria provided. Collection method: clinical testing. Allele origin: germline. Affected: yes. Study: VKGL Data-share Consensus. Not counted in ClinVar's aggregate classification.

Joint Genome Diagnostic Labs from Nijmegen and Maastricht, Radboudumc and MUMC+
Classification: Uncertain significance. Review status: no assertion criteria provided. Collection method: clinical testing. Allele origin: germline. Affected: yes. Study: VKGL Data-share Consensus. Not counted in ClinVar's aggregate classification.

Literature cited by the submitters: PubMed 25589632 (cited by Labcorp Genetics (formerly Invitae), Labcorp); PubMed 23975875 (cited by Labcorp Genetics (formerly Invitae), Labcorp); PubMed 27869827 (cited by Labcorp Genetics (formerly Invitae), Labcorp); PubMed 32964742 (cited by Labcorp Genetics (formerly Invitae), Labcorp).